The following is an entry in ClinVar:

ClinVar aggregate classification (germline): Uncertain significance (1 of 4 stars; one submission).

Conditions:
Hypertrophic cardiomyopathy. Also called: HYPERTROPHIC MYOCARDIOPATHY. Identifiers: Orphanet 217569, MedGen C0007194, MeSH D002312, MONDO:0005045, HP:0001639.

Submission:

Labcorp Genetics (formerly Invitae), Labcorp
Classification: Uncertain significance for Hypertrophic cardiomyopathy. Last evaluated: 2025-07-18. Review status: criteria provided, single submitter. Criteria: Invitae Variant Classification Sherloc (09022015). Collection method: clinical testing. Allele origin: germline.
Comment: This sequence change replaces glycine, which is neutral and non-polar, with aspartic acid, which is acidic and polar, at codon 701 of the MYH7 protein (p.Gly701Asp). This variant is not present in population databases (gnomAD no frequency). This missense change has been observed in individual(s) with clinical features of MYH7-related conditions (PMID: 27600940). ClinVar contains an entry for this variant (Variation ID: 2736085). Invitae Evidence Modeling of protein sequence and biophysical properties (such as structural, functional, and spatial information, amino acid conservation, physicochemical variation, residue mobility, and thermodynamic stability) indicates that this missense variant is expected to disrupt MYH7 protein function with a positive predictive value of 95%. In summary, the available evidence is currently insufficient to determine the role of this variant in disease. Therefore, it has been classified as a Variant of Uncertain Significance.

Literature cited by the submitters: PubMed 27600940.

NM_000257.4(MYH7):c.2102G>A (p.Gly701Asp)

Gene: MYH7 (myosin heavy chain 7; minus strand). Cytogenetic location: 14q11.2.
Variant type: single nucleotide variant.
Coding change: c.2102G>A on transcript NM_000257.4 (MANE Select); coding-DNA position 2102, G replaced by A.
Protein change: p.Gly701Asp; replaces glycine 701 with aspartic acid.
Molecular consequence: missense variant.
Genome position (GRCh38, 1-based): chr14:23,426,024, C>T on the plus strand (G>A on the coding strand, the complement: MYH7 is on the minus strand). VCF-style: chr14-23426024-C-T. GRCh37 (hg19) VCF-style: chr14-23895233-C-T.
Other names: c.2102G>A, p.Gly701Asp (NM_001407004.1); short protein forms G701D.
Identifiers: ClinVar variation 2736085 (VCV002736085.3), dbSNP rs2502289663, ClinGen allele CA389049122.